The following is an entry in ClinVar:

ClinVar aggregate classification (germline): Likely pathogenic (1 of 4 stars; one submission).

Conditions:
Leber congenital amaurosis 1 (LCA1). Also called: Congenital absence of the rods and cones; Leber's congenital tapetoretinal degeneration; Leber's congenital tapetoretinal dysplasia; AMAUROSIS CONGENITA OF LEBER I; RETINAL BLINDNESS, CONGENITAL. Identifiers: Orphanet 65, MedGen C2931258, MONDO:0008764, OMIM 204000.
Cone-rod dystrophy 6 (CORD6). Also called: Cone dystrophy progressive; RETINAL CONE DYSTROPHY 2. Identifiers: Orphanet 1872, MedGen C1866293, MONDO:0011143, OMIM 601777.

Submission:

Labcorp Genetics (formerly Invitae), Labcorp
Classification: Likely pathogenic for Leber congenital amaurosis 1; Cone-rod dystrophy 6. Last evaluated: 2023-04-09. Review status: criteria provided, single submitter. Criteria: Invitae Variant Classification Sherloc (09022015). Collection method: clinical testing. Allele origin: germline.
Comment: In summary, the currently available evidence indicates that the variant is pathogenic, but additional data are needed to prove that conclusively. Therefore, this variant has been classified as Likely Pathogenic. Algorithms developed to predict the effect of sequence changes on RNA splicing suggest that this variant may disrupt the consensus splice site. Disruption of this splice site has been observed in individual(s) with Leber congenital amaurosis (PMID: 20683928). This variant is not present in population databases (gnomAD no frequency). This sequence change affects an acceptor splice site in intron 13 of the GUCY2D gene. It is expected to disrupt RNA splicing. Variants that disrupt the donor or acceptor splice site typically lead to a loss of protein function (PMID: 16199547), and loss-of-function variants in GUCY2D are known to be pathogenic (PMID: 10951519, 11328726).

Literature cited by the submitters: PubMed 20683928; PubMed 16199547; PubMed 10951519; PubMed 11328726.

NM_000180.4(GUCY2D):c.2577-2A>G

Gene: GUCY2D (guanylate cyclase 2D, retinal; plus strand). Cytogenetic location: 17p13.1.
Variant type: single nucleotide variant.
Coding change: c.2577-2A>G on transcript NM_000180.4 (MANE Select); the canonical splice acceptor site of the intron before coding-DNA position 2577, A replaced by G.
Molecular consequence: splice acceptor variant.
Genome position (GRCh38, 1-based): chr17:8,014,857, A>G. VCF-style: chr17-8014857-A-G. GRCh37 (hg19) VCF-style: chr17-7918175-A-G.
Identifiers: ClinVar variation 2946359 (VCV002946359.3), dbSNP rs1975931968, ClinGen allele CA397953857.
Genomic context (GRCh38, chr17:8,014,857, plus strand): 5'-GGCAGCTGGAGCCCAGCCAGGTAGAGTGGCCCCCAGGTGACCTCACTGCCTGCCATCCCT[A>G]GGTCTGTGGCTGAGGCCTTGAAGACGGGGACACCAGTGGAGCCCGAGTACTTTGAGCAAG-3'